The following is an entry in ClinVar:

ClinVar aggregate classification (germline): Uncertain significance. Review status: criteria provided, multiple submitters, no conflicts (2 of 4 stars). 2 submissions from 2 submitters: Uncertain significance (2). Last evaluated 2024-08-27.

Conditions:
Inborn genetic diseases. Identifiers: MedGen C0950123, MeSH D030342.

Allele frequency attached by ClinVar (database versions not stated): TOPMed 0.00001; gnomAD exomes 0.00004 and 0.00006; ExAC 0.00005.

Submissions (2):

Ambry Genetics
Classification: Uncertain significance for Inborn genetic diseases. Last evaluated: 2024-08-27. Review status: criteria provided, single submitter. Criteria: Ambry Variant Classification Scheme 2023. Collection method: clinical testing. Allele origin: germline.

Labcorp Genetics (formerly Invitae), Labcorp
Classification: Uncertain significance. Last evaluated: 2022-08-15. Review status: criteria provided, single submitter. Criteria: Invitae Variant Classification Sherloc (09022015). Collection method: clinical testing. Allele origin: germline.
Comment: This sequence change replaces isoleucine, which is neutral and non-polar, with threonine, which is neutral and polar, at codon 951 of the PTPN23 protein (p.Ile951Thr). This variant is present in population databases (rs778699456, gnomAD 0.006%). This variant has not been reported in the literature in individuals affected with PTPN23-related conditions. ClinVar contains an entry for this variant (Variation ID: 1479943). Algorithms developed to predict the effect of missense changes on protein structure and function output the following: SIFT: "Tolerated"; PolyPhen-2: "Not Available"; Align-GVGD: "Class C0". The threonine amino acid residue is found in multiple mammalian species, which suggests that this missense change does not adversely affect protein function. In summary, the available evidence is currently insufficient to determine the role of this variant in disease. Therefore, it has been classified as a Variant of Uncertain Significance.

NM_015466.4(PTPN23):c.2852T>C (p.Ile951Thr)

Gene: PTPN23 (protein tyrosine phosphatase non-receptor type 23; plus strand). Cytogenetic location: 3p21.31.
Variant type: single nucleotide variant.
Coding change: c.2852T>C on transcript NM_015466.4 (MANE Select); coding-DNA position 2852, T replaced by C.
Protein change: p.Ile951Thr; replaces isoleucine 951 with threonine.
Molecular consequence: missense variant.
Genome position (GRCh38, 1-based): chr3:47,410,650, T>C. VCF-style: chr3-47410650-T-C. GRCh37 (hg19) VCF-style: chr3-47452140-T-C.
Other names: c.2474T>C, p.Ile825Thr (NM_001304482.2); c.2852T>C (NM_015466.2); short protein forms I825T, I951T.
Identifiers: ClinVar variation 1479943 (VCV001479943.5), dbSNP rs778699456, ClinGen allele CA2366134.